The following is an entry in ClinVar:

NM_006231.4(POLE):c.4058G>A (p.Ser1353Asn)

Gene: POLE (DNA polymerase epsilon, catalytic subunit; minus strand). Cytogenetic location: 12q24.33.
Variant type: single nucleotide variant.
Coding change: c.4058G>A on transcript NM_006231.4 (MANE Select); coding-DNA position 4058, G replaced by A.
Protein change: p.Ser1353Asn; replaces serine 1353 with asparagine.
Molecular consequence: missense variant.
Genome position (GRCh38, 1-based): chr12:132,649,020, C>T on the plus strand (G>A on the coding strand, the complement: POLE is on the minus strand). VCF-style: chr12-132649020-C-T. GRCh37 (hg19) VCF-style: chr12-133225606-C-T.
Other names: short protein forms S1353N.
Identifiers: ClinVar variation 1402828 (VCV001402828.9), dbSNP rs2138598820, ClinGen allele CA387383871.

ClinVar aggregate classification (germline): Uncertain significance (1 of 4 stars; one submission).

Submission:

Labcorp Genetics (formerly Invitae), Labcorp
Classification: Uncertain significance. Last evaluated: 2022-07-06. Review status: criteria provided, single submitter. Criteria: Invitae Variant Classification Sherloc (09022015). Collection method: clinical testing. Allele origin: germline.
Comment: Algorithms developed to predict the effect of missense changes on protein structure and function output the following: SIFT: "Tolerated"; PolyPhen-2: "Benign"; Align-GVGD: "Class C0". The asparagine amino acid residue is found in multiple mammalian species, which suggests that this missense change does not adversely affect protein function. ClinVar contains an entry for this variant (Variation ID: 1402828). This variant has not been reported in the literature in individuals affected with POLE-related conditions. This variant is not present in population databases (gnomAD no frequency). This sequence change replaces serine, which is neutral and polar, with asparagine, which is neutral and polar, at codon 1353 of the POLE protein (p.Ser1353Asn). In summary, the available evidence is currently insufficient to determine the role of this variant in disease. Therefore, it has been classified as a Variant of Uncertain Significance.